The following is an entry in ClinVar:

ClinVar aggregate classification (germline): Pathogenic/Likely pathogenic. Review status: criteria provided, multiple submitters, no conflicts (2 of 4 stars). 2 submissions from 2 submitters: Pathogenic (1); Likely pathogenic (1). Last evaluated 2025-10-17.

Conditions:
Marfan syndrome (MFS). Also called: MARFAN SYNDROME, TYPE I; Marfan syndrome type 1; Marfan's syndrome; Marfan syndrome, classic; FBN1-Related Marfan Syndrome. Identifiers: Orphanet 284963, Orphanet 558, MedGen C0024796, MONDO:0007947, OMIM 154700.
Familial thoracic aortic aneurysm and aortic dissection (TAAD). Also called: Thoracic aortic aneurysms and dissections. Identifiers: Orphanet 91387, MedGen C4707243, MONDO:0019625.

Submissions (2):

Mayo Clinic Laboratories, Mayo Clinic
Classification: Pathogenic. Last evaluated: 2025-10-17. Review status: criteria provided, single submitter. Criteria: ACMG Guidelines, 2015. Collection method: clinical testing. Allele origin: germline. Observed: 1 variant allele.
Comment: PP2, PP3, PM1_strong, PM2_supporting

Labcorp Genetics (formerly Invitae), Labcorp
Classification: Likely pathogenic for Marfan syndrome; Familial thoracic aortic aneurysm and aortic dissection. Last evaluated: 2024-04-06. Review status: criteria provided, single submitter. Criteria: Invitae Variant Classification Sherloc (09022015). Collection method: clinical testing. Allele origin: germline.
Comment: This sequence change replaces cysteine, which is neutral and slightly polar, with tyrosine, which is neutral and polar, at codon 299 of the FBN1 protein (p.Cys299Tyr). This variant is not present in population databases (gnomAD no frequency). This variant has not been reported in the literature in individuals affected with FBN1-related conditions. Advanced modeling of protein sequence and biophysical properties (such as structural, functional, and spatial information, amino acid conservation, physicochemical variation, residue mobility, and thermodynamic stability) performed at Invitae indicates that this missense variant is expected to disrupt FBN1 protein function with a positive predictive value of 95%. This variant affects a cysteine residue in the EGF-like, TGFBP or hybrid motif domains of FBN1. Cysteine residues are believed to be involved in intramolecular disulfide bridges and have been shown to be important for FBN1 protein structure (PMID: 16905551, 19349279). In addition, missense substitutions affecting cysteine residues within these domains are significantly overrepresented among patients with Marfan syndrome (PMID: 16571647, 17701892). In summary, the currently available evidence indicates that the variant is pathogenic, but additional data are needed to prove that conclusively. Therefore, this variant has been classified as Likely Pathogenic.

Literature cited by the submitters: PubMed 27611364 (cited by Mayo Clinic Laboratories, Mayo Clinic); PubMed 16905551 (cited by Labcorp Genetics (formerly Invitae), Labcorp); PubMed 19349279 (cited by Labcorp Genetics (formerly Invitae), Labcorp); PubMed 16571647 (cited by Labcorp Genetics (formerly Invitae), Labcorp); PubMed 17701892 (cited by Labcorp Genetics (formerly Invitae), Labcorp).

NM_000138.5(FBN1):c.896G>A (p.Cys299Tyr)

Gene: FBN1 (fibrillin 1; minus strand). Cytogenetic location: 15q21.1.
Variant type: single nucleotide variant.
Coding change: c.896G>A on transcript NM_000138.5 (MANE Select); coding-DNA position 896, G replaced by A.
Protein change: p.Cys299Tyr; replaces cysteine 299 with tyrosine.
Molecular consequence: missense variant.
Genome position (GRCh38, 1-based): chr15:48,526,222, C>T on the plus strand (G>A on the coding strand, the complement: FBN1 is on the minus strand). VCF-style: chr15-48526222-C-T. GRCh37 (hg19) VCF-style: chr15-48818419-C-T.
Other names: p.Cys299Tyr; c.896G>A, p.Cys299Tyr (NM_001406716.1); short protein forms C299Y.
Identifiers: ClinVar variation 3754093 (VCV003754093.3).